The following is an entry in ClinVar:

ClinVar aggregate classification (germline): Likely benign (1 of 4 stars; one submission).

Allele frequency attached by ClinVar (database versions not stated): TOPMed 0.00006; 1000 Genomes Project 30x 0.00016; gnomAD exomes 0.00016; 1000 Genomes Project 0.00020; gnomAD 0.00029; ExAC 0.00093.
gnomAD v4.1: 309 of 1,590,062 alleles (0.019%); highest among the groups gnomAD compares: Non-Finnish European, 0.01%; 1 homozygote.

Submission:

CeGaT Center for Human Genetics Tuebingen
Classification: Likely benign. Last evaluated: 2022-05-01. Review status: criteria provided, single submitter. Criteria: CeGaT Center For Human Genetics Tuebingen Variant Classification Criteria Version 2. Collection method: clinical testing. Allele origin: germline. Affected: yes. Observed: 1 variant allele.
Comment: USP24: BP4, BP7

NM_015306.3(USP24):c.5646A>G (p.Val1882=)

Gene: USP24 (ubiquitin specific peptidase 24; minus strand). Cytogenetic location: 1p32.3.
Variant type: single nucleotide variant.
Coding change: c.5646A>G on transcript NM_015306.3 (MANE Select); coding-DNA position 5646, A replaced by G.
Protein change: p.Val1882=; no amino-acid change (valine 1882 retained).
Molecular consequence: synonymous variant.
Genome position (GRCh38, 1-based): chr1:55,097,667, T>C on the plus strand (A>G on the coding strand, the complement: USP24 is on the minus strand). VCF-style: chr1-55097667-T-C. GRCh37 (hg19) VCF-style: chr1-55563340-T-C.
Identifiers: ClinVar variation 2638841 (VCV002638841.24), dbSNP rs189659168, ClinGen allele CA872088.